The following is an entry in ClinVar:

ClinVar aggregate classification (germline): Uncertain significance (1 of 4 stars; one submission).

Conditions:
Short-rib thoracic dysplasia 14 with polydactyly (SRTD14). Identifiers: Orphanet 397715, MedGen C4225286, MONDO:0014688, OMIM 616546.
Joubert syndrome 23 (JBTS23). Identifiers: Orphanet 475, MedGen C4084822, MONDO:0014664, OMIM 616490.

gnomAD v4.1: 1 of 1,596,716 alleles (0.000063%); highest among the groups gnomAD compares: Non-Finnish European, 0.000085%; no homozygotes.

Submission:

Labcorp Genetics (formerly Invitae), Labcorp
Classification: Uncertain significance for Joubert syndrome 23; Short-rib thoracic dysplasia 14 with polydactyly. Last evaluated: 2021-01-16. Review status: criteria provided, single submitter. Criteria: Invitae Variant Classification Sherloc (09022015). Collection method: clinical testing. Allele origin: germline.
Comment: In summary, the available evidence is currently insufficient to determine the role of this variant in disease. Therefore, it has been classified as a Variant of Uncertain Significance. This sequence change replaces valine with isoleucine at codon 1470 of the KIAA0586 protein (p.Val1470Ile). The valine residue is weakly conserved and there is a small physicochemical difference between valine and isoleucine. This variant is not present in population databases (ExAC no frequency). This variant has not been reported in the literature in individuals with KIAA0586-related conditions. Algorithms developed to predict the effect of missense changes on protein structure and function output the following: SIFT: "Tolerated"; PolyPhen-2: "Benign"; Align-GVGD: "Class C0". The isoleucine amino acid residue is found in multiple mammalian species, suggesting that this missense change does not adversely affect protein function. These predictions have not been confirmed by published functional studies and their clinical significance is uncertain.

NM_001329943.3(KIAA0586):c.4249G>A (p.Val1417Ile)

Gene: KIAA0586 (KIAA0586; plus strand). Cytogenetic location: 14q23.1.
Variant type: single nucleotide variant.
Coding change: c.4249G>A on transcript NM_001329943.3 (MANE Select); coding-DNA position 4249, G replaced by A.
Protein change: p.Val1417Ile; replaces valine 1417 with isoleucine.
Molecular consequence: missense variant.
Genome position (GRCh38, 1-based): chr14:58,508,635, G>A. VCF-style: chr14-58508635-G-A. GRCh37 (hg19) VCF-style: chr14-58975353-G-A.
Other names: c.4408G>A, p.Val1470Ile (NM_001244189.2); c.4204G>A, p.Val1402Ile (NM_001244190.2); c.3994G>A, p.Val1332Ile (NM_001244191.2, NM_001329945.2, NM_001364700.1 and 1 more transcripts); c.4117G>A, p.Val1373Ile (NM_001244192.2, NM_001329947.2); c.3829G>A, p.Val1277Ile (NM_001244193.2); c.4249G>A, p.Val1417Ile (NM_001329944.2, NM_001329946.2); c.4021G>A, p.Val1341Ile (NM_014749.5); short protein forms V1277I, V1373I, V1470I, V1402I, V1332I, V1341I, V1417I.
Identifiers: ClinVar variation 1478306 (VCV001478306.8), dbSNP rs1356513118, ClinGen allele CA390057841.